The following is an entry in ClinVar:

NM_000410.4(HFE):c.68G>T (p.Arg23Leu)

Genes: HFE (homeostatic iron regulator; plus strand), HFE-AS1 (HFE antisense RNA 1; minus strand). Cytogenetic location: 6p22.2.
Variant type: single nucleotide variant.
Coding change: c.68G>T on transcript NM_000410.4 (MANE Select); coding-DNA position 68, G replaced by T.
Protein change: p.Arg23Leu; replaces arginine 23 with leucine.
Molecular consequence: missense variant. On other transcripts: non-coding transcript variant (1).
Genome position (GRCh38, 1-based): chr6:26,087,508, G>T. VCF-style: chr6-26087508-G-T. GRCh37 (hg19) VCF-style: chr6-26087736-G-T.
Other names: c.68G>T, p.Arg23Leu (NM_001300749.3, NM_001384164.1, NM_001406751.1 and 9 more transcripts); short protein forms R23L.
Identifiers: ClinVar variation 3253220 (VCV003253220.1), dbSNP rs148161858.

ClinVar aggregate classification (germline): Uncertain significance (1 of 4 stars; one submission).

gnomAD v4.1: 3 of 1,612,784 alleles (0.00019%); highest among the groups gnomAD compares: Non-Finnish European, 0.00025%; no homozygotes.

Submission:

GeneDx
Classification: Uncertain significance. Last evaluated: 2024-07-08. Review status: criteria provided, single submitter. Criteria: GeneDx Variant Classification Process June 2021. Collection method: clinical testing. Allele origin: germline. Affected: yes.
Comment: Has not been previously published as pathogenic or benign to our knowledge; Not observed at significant frequency in large population cohorts (gnomAD); In silico analysis supports that this missense variant has a deleterious effect on protein structure/function